The following is an entry in ClinVar:

NM_001164508.2(NEB):c.3145G>T (p.Glu1049Ter)

Gene: NEB (nebulin; minus strand). Cytogenetic location: 2q23.3.
Variant type: single nucleotide variant.
Coding change: c.3145G>T on transcript NM_001164508.2 (MANE Select); coding-DNA position 3145, G replaced by T.
Protein change: p.Glu1049Ter; replaces glutamic acid 1049 with a stop codon.
Molecular consequence: nonsense.
Genome position (GRCh38, 1-based): chr2:151,679,920, C>A on the plus strand (G>T on the coding strand, the complement: NEB is on the minus strand). VCF-style: chr2-151679920-C-A. GRCh37 (hg19) VCF-style: chr2-152536434-C-A.
Other names: c.3145G>T, p.Glu1049Ter (NM_001164507.2, NM_001271208.2, NM_004543.5); short protein forms E1049*.
Identifiers: ClinVar variation 4814772 (VCV004814772.1).
Genomic context (GRCh38, chr2:151,679,920, plus strand): 5'-AGAGACTGTGTTAGTAAAGTCTGGACATACGCATCAGCCCGTGAGTCCACCCACGCACCT[C>A]ACTGATATTGTAGGCATTAACTTTAGCCTGGATGAACTGGGGCAGGTCTGGTGGCAGGTT-3'

ClinVar aggregate classification (germline): Likely pathogenic (1 of 4 stars; one submission).

Conditions:
Nemaline myopathy 2 (NEM2). Also called: Nemaline myopathy 2, autosomal recessive. Identifiers: MedGen C1850569, MONDO:0009725, OMIM 256030.

Submission:

Natera, Inc.
Classification: Likely pathogenic for Nemaline myopathy type 2. Last evaluated: 2024-10-20. Review status: criteria provided, single submitter. Criteria: Natera Variant Classification Schema (03/2026). Collection method: clinical testing. Allele origin: germline.
Comment: The c.3145G>T variant in NEB is a nonsense variant predicted to introduce a stop codon at amino acid 1049. This variant is expected to result in nonsense mediated decay, truncation, or a dysfunctional protein product. This variant is rare in the general population with a frequency below the threshold expected for the associated phenotype(s). Given the available evidence, this variant is classified as Likely Pathogenic.